The following is an entry in ClinVar:

NM_001134407.3(GRIN2A):c.1322A>G (p.Lys441Arg)

Gene: GRIN2A (glutamate ionotropic receptor NMDA type subunit 2A; minus strand). Cytogenetic location: 16p13.2.
Variant type: single nucleotide variant.
Coding change: c.1322A>G on transcript NM_001134407.3 (MANE Select); coding-DNA position 1322, A replaced by G.
Protein change: p.Lys441Arg; replaces lysine 441 with arginine.
Molecular consequence: missense variant.
Genome position (GRCh38, 1-based): chr16:9,849,762, T>C on the plus strand (A>G on the coding strand, the complement: GRIN2A is on the minus strand). VCF-style: chr16-9849762-T-C. GRCh37 (hg19) VCF-style: chr16-9943619-T-C.
Other names: c.1322A>G, p.Lys441Arg (NM_000833.5, NM_001134408.2); short protein forms K441R.
Identifiers: ClinVar variation 3391308 (VCV003391308.1).
Genomic context (GRCh38, chr16:9,849,762, plus strand): 5'-CATGCTATTTCAAAGGGTTGGGCACGTTCAGGTGACAGCATTCCTGCCACTCACTTGATT[T>C]TGACGAACTTCCGACATGGCACGGTGTTCCTCACACACGTCTCGGTCAGGGGGTCTATGT-3'
Protein context (NP_001127879.1, residues 431-451): RNTVPCRKFV[Lys441Arg]INNSTNEGMN

ClinVar aggregate classification (germline): Uncertain significance (1 of 4 stars; one submission).

Conditions:
Landau-Kleffner syndrome (FESD). Also called: EPILEPSY, FOCAL, WITH SPEECH DISORDER AND WITH OR WITHOUT MENTAL RETARDATION; APHASIA, ACQUIRED, WITH EPILEPSY. Identifiers: Orphanet 1945, Orphanet 725, Orphanet 98818, MedGen C0282512, MONDO:0009509, OMIM 245570.

Submission:

Neuberg Centre For Genomic Medicine, NCGM
Classification: Uncertain significance for Landau-Kleffner syndrome. Last evaluated: 2023-07-22. Review status: criteria provided, single submitter. Criteria: ACMG Guidelines, 2015. Collection method: clinical testing. Allele origin: germline. Inheritance: Autosomal dominant inheritance. Affected: yes.
Comment: The observed missense variant c.1322A>Gp.Lys441Arg in the GRIN2A gene has not been reported previously as a pathogenic variant nor as a benign variant, to our knowledge. This variant is absent in the gnomAD Exomes. The amino acid Lys at position 441 is changed to a Arg changing protein sequence and it might alter its composition and physico-chemical properties. Computational evidence Polyphen - Benign, SIFT - Tolerated and MutationTaster - Disease causing predicts conflicting evidence on protein structure and function for this variant. The residue is conserved by GERP++ and PhyloP across 100 vertebrates. For these reasons, this variant has been classified as Uncertain Significance.